The following is an entry in ClinVar:

ClinVar aggregate classification (germline): Uncertain significance (1 of 4 stars; one submission).

Conditions:
5-Oxoprolinase deficiency (OPLAHD). Also called: 5-OXOPROLINURIA DUE TO 5-OXOPROLINASE DEFICIENCY. Identifiers: Orphanet 33572, MedGen C0268525, MONDO:0009825, OMIM 260005, HP:0040142.

Submission:

Labcorp Genetics (formerly Invitae), Labcorp
Classification: Uncertain significance for 5-Oxoprolinase deficiency. Last evaluated: 2022-03-27. Review status: criteria provided, single submitter. Criteria: Invitae Variant Classification Sherloc (09022015). Collection method: clinical testing. Allele origin: germline.
Comment: In summary, the available evidence is currently insufficient to determine the role of this variant in disease. Therefore, it has been classified as a Variant of Uncertain Significance. Experimental studies and prediction algorithms are not available or were not evaluated, and the functional significance of this variant is currently unknown. This variant has not been reported in the literature in individuals affected with OPLAH-related conditions. This variant is not present in population databases (gnomAD no frequency). This sequence change replaces proline, which is neutral and non-polar, with serine, which is neutral and polar, at codon 124 of the OPLAH protein (p.Pro124Ser).

NM_017570.5(OPLAH):c.370C>T (p.Pro124Ser)

Gene: OPLAH (5-oxoprolinase, ATP-hydrolysing; minus strand). Cytogenetic location: 8q24.3.
Variant type: single nucleotide variant.
Coding change: c.370C>T on transcript NM_017570.5 (MANE Select); coding-DNA position 370, C replaced by T.
Protein change: p.Pro124Ser; replaces proline 124 with serine.
Molecular consequence: missense variant.
Genome position (GRCh38, 1-based): chr8:144,059,073, G>A on the plus strand (C>T on the coding strand, the complement: OPLAH is on the minus strand). VCF-style: chr8-144059073-G-A. GRCh37 (hg19) VCF-style: chr8-145113976-G-A.
Other names: short protein forms P124S.
Identifiers: ClinVar variation 2117633 (VCV002117633.4), dbSNP rs2540278641, ClinGen allele CA372573780.